The following is an entry in ClinVar:

ClinVar aggregate classification (germline): Likely benign (1 of 4 stars; one submission).

Allele frequency attached by ClinVar (database versions not stated): gnomAD 0.01261 and 0.01345; 1000 Genomes Project 0.01378; TOPMed 0.01446; 1000 Genomes Project 30x 0.01530.
gnomAD v4.1: 1,901 of 152,340 alleles (1.2%); highest among the groups gnomAD compares: African/African-American, 4.3%; 40 homozygotes.

Submission:

GeneDx
Classification: Likely benign. Last evaluated: 2018-06-16. Review status: criteria provided, single submitter. Criteria: GeneDx Variant Classification (06012015). Collection method: clinical testing. Allele origin: germline. Affected: yes.
Comment: This variant is considered likely benign or benign based on one or more of the following criteria: it is a conservative change, it occurs at a poorly conserved position in the protein, it is predicted to be benign by multiple in silico algorithms, and/or has population frequency not consistent with disease.

NM_024529.5(CDC73):c.1317-163A>G

Gene: CDC73 (cell division cycle 73; plus strand). Cytogenetic location: 1q31.2.
Variant type: single nucleotide variant.
Coding change: c.1317-163A>G on transcript NM_024529.5 (MANE Select); 163 bases into the intron before coding-DNA position 1317, A replaced by G.
Molecular consequence: intron variant.
Genome position (GRCh38, 1-based): chr1:193,236,093, A>G. VCF-style: chr1-193236093-A-G. GRCh37 (hg19) VCF-style: chr1-193205223-A-G.
Identifiers: ClinVar variation 677803 (VCV000677803.1), dbSNP rs79418522, ClinGen allele CA35101709.